The following is an entry in ClinVar:

NM_138694.4(PKHD1):c.8909_8912del (p.Phe2970fs)

Gene: PKHD1 (PKHD1 ciliary IPT domain containing fibrocystin/polyductin; minus strand). Cytogenetic location: 6p12.3.
Variant type: Deletion.
Coding change: c.8909_8912del on transcript NM_138694.4 (MANE Select); coding-DNA positions 8909 to 8912, 4 bases deleted (TTGT; older notation c.8909_8912delTTGT).
Protein change: p.Phe2970fs; shifts the reading frame from phenylalanine 2970.
Molecular consequence: frameshift variant.
Genome position (GRCh38, 1-based): chr6:51,753,239-51,753,242, ACAA deleted on the plus strand (TTGT on the coding strand, the reverse complement: PKHD1 is on the minus strand); deleting any 4 consecutive bases within chr6:51,753,239-51,753,245 gives the same sequence; the c. name uses the placement nearest the transcript's 3' end. VCF-style (leftmost placement, unchanged base first): chr6-51753238-CACAA-C. GRCh37 (hg19) VCF-style: chr6-51618036-CACAA-C.
Other names: c.8909_8912delTTGT (NM_138694.3); c.8909_8912del, p.Phe2970fs (NM_170724.3); short protein forms F2970fs.
Identifiers: ClinVar variation 949045 (VCV000949045.13), dbSNP rs1473686155, ClinGen allele CA567287226.

ClinVar aggregate classification (germline): Pathogenic. Review status: criteria provided, multiple submitters, no conflicts (2 of 4 stars). 5 submissions from 5 submitters: Pathogenic (4). 1 of the submissions does not count toward it. Last evaluated 2025-11-22.

Conditions:
PKHD1-related disorder. Also called: PKHD1-related condition.
Autosomal recessive polycystic kidney disease (ARPKD). Also called: AR polycystic kidney disease. Identifiers: Orphanet 731, Orphanet 8378, MedGen C0085548, MeSH D017044, MONDO:0009889.
Polycystic kidney disease 4 (PKD4). Also called: PKD3; POLYCYSTIC KIDNEY AND HEPATIC DISEASE 1; POLYCYSTIC KIDNEY DISEASE, INFANTILE, TYPE I; POLYCYSTIC KIDNEY DISEASE 4 WITH OR WITHOUT POLYCYSTIC LIVER DISEASE; Autosomal Recessive Polycystic Kidney Disease – PKHD1. Identifiers: MedGen C4540575, MONDO:0033004, OMIM 263200.

Submissions (5):

Natera, Inc.
Classification: Pathogenic for Autosomal recessive polycystic kidney disease. Last evaluated: 2025-11-22. Review status: criteria provided, single submitter. Criteria: Natera Variant Classification Schema (03/2026). Collection method: clinical testing. Allele origin: germline.
Comment: The c.8909_8912delTTGT variant in PKHD1 is a frameshift variant predicted to shift the reading frame beginning at codon 2970 and leads to a stop codon 68 codons downstream. This variant is expected to result in nonsense mediated decay, truncation, or a dysfunctional protein product. This variant is rare in the general population with a frequency below the threshold expected for the associated phenotype(s). This variant has been observed in one or more individuals affected with the associated recessive disease, as either homozygous or compound heterozygous with a second variant (PMID: 19914852). Given the available evidence, this variant is classified as Pathogenic.

Labcorp Genetics (formerly Invitae), Labcorp
Classification: Pathogenic for Autosomal recessive polycystic kidney disease. Last evaluated: 2024-03-04. Review status: criteria provided, single submitter. Criteria: Invitae Variant Classification Sherloc (09022015). Collection method: clinical testing. Allele origin: germline.
Comment: This sequence change creates a premature translational stop signal (p.Phe2970Trpfs*68) in the PKHD1 gene. It is expected to result in an absent or disrupted protein product. Loss-of-function variants in PKHD1 are known to be pathogenic (PMID: 19940839). This variant is present in population databases (no rsID available, gnomAD 0.003%). This premature translational stop signal has been observed in individual(s) with polycystic kidney disease (PMID: 19914852). ClinVar contains an entry for this variant (Variation ID: 949045). For these reasons, this variant has been classified as Pathogenic.

Baylor Genetics
Classification: Pathogenic for Polycystic kidney disease 4. Last evaluated: 2023-07-29. Review status: criteria provided, single submitter. Criteria: ACMG Guidelines, 2015. Collection method: clinical testing. Allele origin: unknown.

GeneDx
Classification: Pathogenic. Last evaluated: 2022-02-02. Review status: criteria provided, single submitter. Criteria: GeneDx Variant Classification Process June 2021. Collection method: clinical testing. Allele origin: germline. Affected: yes.
Comment: Observed with a second variant (phase unknown) in two siblings with nonperinatal presented polycystic kidney disease and congenital hepatic fibrosis in published literature (Gunay-Aygun et al., 2010); Frameshift variant predicted to result in protein truncation or nonsense mediated decay in a gene for which loss-of-function is a known mechanism of disease; Not observed at significant frequency in large population cohorts (gnomAD); This variant is associated with the following publications: (PMID: 19914852)

PreventionGenetics, part of Exact Sciences
Classification: Pathogenic for PKHD1-related condition. Last evaluated: 2024-09-27. Review status: no assertion criteria provided. Collection method: clinical testing. Allele origin: germline. Not counted in ClinVar's aggregate classification.
Comment: The PKHD1 c.8909_8912delTTGT variant is predicted to result in a frameshift and premature protein termination (p.Phe2970Trpfs*68). This variant was reported with a second PKHD1 variant in an individual with polycystic kidney disease (Gunay-Aygun et al 2010. PubMed ID: 19914852). This variant is reported in 0.0029% of alleles in individuals of Latino descent in gnomAD. Frameshift variants in PKHD1 are expected to be pathogenic. This variant is interpreted as pathogenic.

Literature cited by the submitters: PubMed 19914852 (cited by Natera, Inc. and Labcorp Genetics (formerly Invitae), Labcorp); PubMed 19940839 (cited by Labcorp Genetics (formerly Invitae), Labcorp).